The following is an entry in ClinVar:

NM_015015.3(KDM4B):c.1356C>T (p.Ser452=)

Gene: KDM4B (lysine demethylase 4B; plus strand). Cytogenetic location: 19p13.3.
Variant type: single nucleotide variant.
Coding change: c.1356C>T on transcript NM_015015.3 (MANE Select); coding-DNA position 1356, C replaced by T.
Protein change: p.Ser452=; no amino-acid change (serine 452 retained).
Molecular consequence: synonymous variant.
Genome position (GRCh38, 1-based): chr19:5,131,116, C>T. VCF-style: chr19-5131116-C-T. GRCh37 (hg19) VCF-style: chr19-5131127-C-T.
Other names: c.1458C>T, p.Ser486= (NM_001411148.1).
Identifiers: ClinVar variation 4534209 (VCV004534209.7).

ClinVar aggregate classification (germline): Likely benign. Review status: criteria provided, multiple submitters, no conflicts (2 of 4 stars). 2 submissions from 2 submitters: Likely benign (2). Last evaluated 2025-10-01.

gnomAD v4.1: 468 of 1,525,288 alleles (0.031%); highest among the groups gnomAD compares: East Asian, 0.33%; 1 homozygote.

Submissions (2):

CeGaT Center for Human Genetics Tuebingen
Classification: Likely benign. Last evaluated: 2025-10-01. Review status: criteria provided, single submitter. Criteria: CeGaT Center For Human Genetics Tuebingen Variant Classification Criteria Version 2. Collection method: clinical testing. Allele origin: germline. Affected: yes. Observed: 1 variant allele.
Comment: KDM4B: BP4, BP7

Blueprint Genetics
Classification: Likely benign. Last evaluated: 2024-02-28. Review status: criteria provided, single submitter. Criteria: ACMG Guidelines, 2015. Collection method: clinical testing. Allele origin: germline.